The following is an entry in ClinVar:

NM_007294.4(BRCA1):c.4987-576G>A

Gene: BRCA1 (BRCA1 DNA repair associated; minus strand). Cytogenetic location: 17q21.31.
Variant type: single nucleotide variant.
Coding change: c.4987-576G>A on transcript NM_007294.4 (MANE Select); 576 bases into the intron before coding-DNA position 4987, G replaced by A.
Molecular consequence: intron variant.
Genome position (GRCh38, 1-based): chr17:43,068,271, C>T on the plus strand (G>A on the coding strand, the complement: BRCA1 is on the minus strand). VCF-style: chr17-43068271-C-T. GRCh37 (hg19) VCF-style: chr17-41220288-C-T.
Other names: IVS 16-576G>A; c.1534-576G>A (NM_001408458.1, NM_001408461.1, NM_001408464.1 and 7 more transcripts); c.4096-576G>A (NM_001407967.1); c.4606-576G>A (NM_001407959.1); c.4720-576G>A (NM_001407931.1, NM_001407932.1, NM_001407928.1 and 4 more transcripts); c.4843-576G>A (NM_001407747.1, NM_001407745.1, NM_001407737.1 and 21 more transcripts); c.4603-576G>A (NM_001407962.1, NM_001407960.1); c.1174-576G>A (NM_001408512.1); and 72 more.
Identifiers: ClinVar variation 209351 (VCV000209351.3), dbSNP rs8176229, ClinGen allele CA276323.
Genomic context (GRCh38, chr17:43,068,271, plus strand): 5'-AGCTTGCAGTAAGCCGAGATGGCGCCACTGCACTCTAGCCTGGGCGAGAGTGCGAGACTC[C>T]GTCTCAAAAAAAAAAAAAAGATACCTGAAGTCTCAAATAAATAGTTTAATAAAAATTATG-3'

ClinVar aggregate classification (germline): Benign. Review status: reviewed by expert panel (3 of 4 stars). 2 submissions from 2 submitters: Benign (1). 1 of the submissions does not count toward it. Last evaluated 2015-01-12.

Conditions:
Breast-ovarian cancer, familial, susceptibility to, 1 (BROVCA1). Also called: BRCA1 Hereditary Breast and Ovarian Cancer; OVARIAN CANCER, SUSCEPTIBILITY TO. Identifiers: Orphanet 145, MedGen C2676676, MONDO:0011450, OMIM 604370. Disease mechanism: loss of function.

Allele frequency attached by ClinVar (database versions not stated): 1000 Genomes Project 0.00879; 1000 Genomes Project 30x 0.00984; gnomAD 0.01740 and 0.01911; TOPMed 0.01940.
gnomAD v4.1: 2,900 of 146,498 alleles (2%); highest among the groups gnomAD compares: Non-Finnish European, 2.8%; 51 homozygotes.

Submissions (2):

Evidence-based Network for the Interpretation of Germline Mutant Alleles (ENIGMA)
Classification: Benign for Breast-ovarian cancer, familial 1. Last evaluated: 2015-01-12. Review status: reviewed by expert panel. Criteria: ENIGMA BRCA1/2 Classification Criteria (2015). Collection method: curation. Allele origin: germline.
Comment: Class 1 not pathogenic based on frequency >1% in an outbred sampleset. Frequency 0.02902 (European), derived from 1000 genomes (2012-04-30).

Breakthrough Genomics
Classification: Benign. Review status: criteria provided, single submitter. Criteria: ACMG Guidelines, 2015. Collection method: not provided. Allele origin: germline. Inheritance: Autosomal recessive inheritance. Affected: yes. Not counted in ClinVar's aggregate classification.